The following is an entry in ClinVar:

NM_001394062.1(MACF1):c.1640C>G (p.Pro547Arg)

Gene: MACF1 (microtubule actin crosslinking factor 1; plus strand). Cytogenetic location: 1p34.3.
Variant type: single nucleotide variant.
Coding change: c.1640C>G on transcript NM_001394062.1 (MANE Select); coding-DNA position 1640, C replaced by G.
Protein change: p.Pro547Arg; replaces proline 547 with arginine.
Molecular consequence: missense variant.
Genome position (GRCh38, 1-based): chr1:39,287,417, C>G. VCF-style: chr1-39287417-C-G. GRCh37 (hg19) VCF-style: chr1-39753089-C-G.
Other names: c.1655C>G, p.Pro552Arg (NM_012090.5); short protein forms P547R, P552R.
Identifiers: ClinVar variation 4881819 (VCV004881819.2).

ClinVar aggregate classification (germline): Uncertain significance (1 of 4 stars; one submission).

Submission:

Dasa
Classification: Uncertain significance. Last evaluated: 2025-02-11. Review status: criteria provided, single submitter. Criteria: DASA Assertion Criteria. Collection method: clinical testing. Allele origin: germline.
Comment: NM_001394062.1(MACF1):c.1640C>G (p.Pro547Arg) is a missense variant that results in the substitution of proline with arginine. This variant is absent from population databases. Computational prediction algorithms are consistent with a benign effect. The currently available literature and clinical evidence are not sufficient to establish a definitive association between this variant and the reported condition. Therefore, this variant is classified as a variant of uncertain significance.